The following is an entry in ClinVar:

ClinVar aggregate classification (germline): Uncertain significance (1 of 4 stars; one submission).

Submission:

Labcorp Genetics (formerly Invitae), Labcorp
Classification: Uncertain significance. Last evaluated: 2025-12-14. Review status: criteria provided, single submitter. Criteria: Invitae Variant Classification Sherloc (09022015). Collection method: clinical testing. Allele origin: germline.
Comment: This sequence change replaces alanine, which is neutral and non-polar, with serine, which is neutral and polar, at codon 51 of the CDT1 protein (p.Ala51Ser). The frequency data for this variant in the population databases is considered unreliable, as metrics indicate poor data quality at this position in the gnomAD database. This variant has not been reported in the literature in individuals affected with CDT1-related conditions. An algorithm developed to predict the effect of missense changes on protein structure and function (PolyPhen-2) suggests that this variant is likely to be tolerated. In summary, the available evidence is currently insufficient to determine the role of this variant in disease. Therefore, it has been classified as a Variant of Uncertain Significance.

NM_030928.4(CDT1):c.151G>T (p.Ala51Ser)

Gene: CDT1 (chromatin licensing and DNA replication factor 1; plus strand). Cytogenetic location: 16q24.3.
Variant type: single nucleotide variant.
Coding change: c.151G>T on transcript NM_030928.4 (MANE Select); coding-DNA position 151, G replaced by T.
Protein change: p.Ala51Ser; replaces alanine 51 with serine.
Molecular consequence: missense variant.
Genome position (GRCh38, 1-based): chr16:88,803,982, G>T. VCF-style: chr16-88803982-G-T. GRCh37 (hg19) VCF-style: chr16-88870390-G-T.
Other names: short protein forms A51S.
Identifiers: ClinVar variation 4753628 (VCV004753628.1).